The following is an entry in ClinVar:

ClinVar aggregate classification (germline): Uncertain significance (1 of 4 stars; one submission).

Conditions:
Progressive microcephaly-seizures-cortical blindness-developmental delay syndrome. Also called: Seizures, cortical blindness, and microcephaly syndrome. Identifiers: Orphanet 477814, MedGen C5567650, MONDO:0014714, OMIM 616632.
Autosomal dominant nonsyndromic hearing loss 1. Also called: KONIGSMARK SYNDROME; DEAFNESS, AUTOSOMAL DOMINANT 1, WITH OR WITHOUT THROMBOCYTOPENIA. Identifiers: Orphanet 90635, MedGen C1852282, MONDO:0007424, OMIM 124900.

gnomAD v4.1: 2 of 1,602,992 alleles (0.00012%); highest among the groups gnomAD compares: Non-Finnish European, 0.00017%; no homozygotes.

Submission:

Labcorp Genetics (formerly Invitae), Labcorp
Classification: Uncertain significance for Progressive microcephaly-seizures-cortical blindness-developmental delay syndrome; Autosomal dominant nonsyndromic hearing loss 1. Last evaluated: 2025-04-26. Review status: criteria provided, single submitter. Criteria: Invitae Variant Classification Sherloc (09022015). Collection method: clinical testing. Allele origin: germline.
Comment: This sequence change replaces proline, which is neutral and non-polar, with alanine, which is neutral and non-polar, at codon 719 of the DIAPH1 protein (p.Pro719Ala). This variant is not present in population databases (gnomAD no frequency). This variant has not been reported in the literature in individuals affected with DIAPH1-related conditions. Experimental studies and prediction algorithms are not available or were not evaluated, and the functional significance of this variant is currently unknown. In summary, the available evidence is currently insufficient to determine the role of this variant in disease. Therefore, it has been classified as a Variant of Uncertain Significance.

NM_005219.5(DIAPH1):c.2155C>G (p.Pro719Ala)

Gene: DIAPH1 (diaphanous related formin 1; minus strand). Cytogenetic location: 5q31.3.
Variant type: single nucleotide variant.
Coding change: c.2155C>G on transcript NM_005219.5 (MANE Select); coding-DNA position 2155, C replaced by G.
Protein change: p.Pro719Ala; replaces proline 719 with alanine.
Molecular consequence: missense variant.
Genome position (GRCh38, 1-based): chr5:141,573,695, G>C on the plus strand (C>G on the coding strand, the complement: DIAPH1 is on the minus strand). VCF-style: chr5-141573695-G-C. GRCh37 (hg19) VCF-style: chr5-140953262-G-C.
Other names: c.2128C>G, p.Pro710Ala (NM_001079812.3); c.2155C>G, p.Pro719Ala (NM_001314007.2); short protein forms P710A, P719A.
Identifiers: ClinVar variation 4792425 (VCV004792425.1).